The following is an entry in ClinVar:

NM_001318895.3(FHL2):c.332G>A (p.Gly111Asp)

Genes: C2orf49 (chromosome 2 open reading frame 49; plus strand), FHL2 (four and a half LIM domains 2; minus strand). Cytogenetic location: 2q12.2.
Variant type: single nucleotide variant.
Coding change: c.332G>A on transcript NM_001318895.3 (MANE Select); coding-DNA position 332, G replaced by A.
Protein change: p.Gly111Asp; replaces glycine 111 with aspartic acid.
Molecular consequence: missense variant. On other transcripts: 5 prime UTR variant (2).
Genome position (GRCh38, 1-based): chr2:105,367,739, C>T on the plus strand (G>A on the coding strand, the complement: FHL2 is on the minus strand). VCF-style: chr2-105367739-C-T. GRCh37 (hg19) VCF-style: chr2-105984196-C-T.
Other names: c.332G>A, p.Gly111Asp (NM_001039492.3, NM_001318894.1, NM_001318896.2 and 4 more transcripts); c.-11G>A (NM_001318897.2, NM_001318898.2); c.8G>A, p.Gly3Asp (NM_001318899.2); short protein forms G111D, G3D.
Identifiers: ClinVar variation 4730572 (VCV004730572.1).

ClinVar aggregate classification (germline): Uncertain significance (1 of 4 stars; one submission).

Conditions:
Primary dilated cardiomyopathy (DCM). Also called: Dilated Cardiomyopathy. Identifiers: Orphanet 217604, MedGen C0007193, MeSH D002311, MONDO:0005021, HP:0001644. Inheritance: Various modes of inheritance.

gnomAD v4.1: 1 of 1,613,050 alleles (0.000062%); no homozygotes.

Submission:

Labcorp Genetics (formerly Invitae), Labcorp
Classification: Uncertain significance for Primary dilated cardiomyopathy. Last evaluated: 2025-11-05. Review status: criteria provided, single submitter. Criteria: Invitae Variant Classification Sherloc (09022015). Collection method: clinical testing. Allele origin: germline.
Comment: This sequence change replaces glycine, which is neutral and non-polar, with aspartic acid, which is acidic and polar, at codon 111 of the FHL2 protein (p.Gly111Asp). This variant is present in population databases (rs755424821, gnomAD 0.006%). This variant has not been reported in the literature in individuals affected with FHL2-related conditions. An algorithm developed to predict the effect of missense changes on protein structure and function (PolyPhen-2) suggests that this variant is likely to be disruptive. In summary, the available evidence is currently insufficient to determine the role of this variant in disease. Therefore, it has been classified as a Variant of Uncertain Significance.